The following is an entry in ClinVar:

NM_006904.7(PRKDC):c.11221C>T (p.Arg3741Cys)

Gene: PRKDC (protein kinase, DNA-activated, catalytic subunit; minus strand). Cytogenetic location: 8q11.21.
Variant type: single nucleotide variant.
Coding change: c.11221C>T on transcript NM_006904.7 (MANE Select); coding-DNA position 11221, C replaced by T.
Protein change: p.Arg3741Cys; replaces arginine 3741 with cysteine.
Molecular consequence: missense variant.
Genome position (GRCh38, 1-based): chr8:47,782,553, G>A on the plus strand (C>T on the coding strand, the complement: PRKDC is on the minus strand). VCF-style: chr8-47782553-G-A. GRCh37 (hg19) VCF-style: chr8-48695114-G-A.
Other names: c.11221C>T, p.Arg3741Cys (NM_001081640.2); short protein forms R3741C.
Identifiers: ClinVar variation 2054467 (VCV002054467.2), dbSNP rs377577136, ClinGen allele CA176142072.

ClinVar aggregate classification (germline): Uncertain significance (1 of 4 stars; one submission).

Conditions:
Severe combined immunodeficiency due to DNA-PKcs deficiency. Also called: IMMUNODEFICIENCY 26 WITH NEUROLOGIC ABNORMALITIES; Immunodeficiency 26 with or without neurologic abnormalities. Identifiers: Orphanet 317425, MedGen C4014833, MONDO:0014423, OMIM 615966.

Allele frequency attached by ClinVar (database versions not stated): gnomAD exomes 0.00002; TOPMed 0.00002; gnomAD 0.00003; ESP Exome Variant Server 0.00008.
gnomAD v4.1: 38 of 1,572,092 alleles (0.0024%); highest among the groups gnomAD compares: Non-Finnish European, 0.003%; no homozygotes.

Submission:

Labcorp Genetics (formerly Invitae), Labcorp
Classification: Uncertain significance for Severe combined immunodeficiency due to DNA-PKcs deficiency. Last evaluated: 2022-03-04. Review status: criteria provided, single submitter. Criteria: Invitae Variant Classification Sherloc (09022015). Collection method: clinical testing. Allele origin: germline.
Comment: In summary, the available evidence is currently insufficient to determine the role of this variant in disease. Therefore, it has been classified as a Variant of Uncertain Significance. Experimental studies and prediction algorithms are not available or were not evaluated, and the functional significance of this variant is currently unknown. This variant has not been reported in the literature in individuals affected with PRKDC-related conditions. The frequency data for this variant in the population databases is considered unreliable, as metrics indicate poor data quality at this position in the gnomAD database. This sequence change replaces arginine, which is basic and polar, with cysteine, which is neutral and slightly polar, at codon 3741 of the PRKDC protein (p.Arg3741Cys).